The following is an entry in ClinVar:

ClinVar aggregate classification (germline): Pathogenic (1 of 4 stars; one submission).

Conditions:
Familial temporal lobe epilepsy 7. Identifiers: Orphanet 101046, MedGen C4225327, MONDO:0014639, OMIM 616436.
Norman-Roberts syndrome (LIS2). Also called: Lissencephaly 2 (Norman-Roberts type). Identifiers: Orphanet 89844, MedGen C0796089, MONDO:0009760, OMIM 257320.

Submission:

Labcorp Genetics (formerly Invitae), Labcorp
Classification: Pathogenic for Familial temporal lobe epilepsy 7; Norman-Roberts syndrome. Last evaluated: 2023-01-24. Review status: criteria provided, single submitter. Criteria: Invitae Variant Classification Sherloc (09022015). Collection method: clinical testing. Allele origin: germline.
Comment: This variant is not present in population databases (gnomAD no frequency). This sequence change creates a premature translational stop signal (p.Pro2812Glnfs*16) in the RELN gene. It is expected to result in an absent or disrupted protein product. Loss-of-function variants in RELN are known to be pathogenic (PMID: 10973257, 26046367, 28454995). This variant has not been reported in the literature in individuals affected with RELN-related conditions. For these reasons, this variant has been classified as Pathogenic.

Literature cited by the submitters: PubMed 10973257; PubMed 26046367; PubMed 28454995.

NM_005045.4(RELN):c.8433del (p.Pro2812fs)

Genes: RELN (reelin; minus strand), SLC26A5-AS1 (SLC26A5 antisense RNA 1; plus strand). Cytogenetic location: 7q22.1.
Variant type: Deletion.
Coding change: c.8433del on transcript NM_005045.4 (MANE Select); coding-DNA position 8433, one base deleted (T; older notation c.8433delT).
Protein change: p.Pro2812fs; shifts the reading frame from proline 2812.
Molecular consequence: frameshift variant.
Genome position (GRCh38, 1-based): chr7:103,503,072, A deleted on the plus strand (T on the coding strand, the reverse complement: RELN is on the minus strand); the first of 3 consecutive A bases (chr7:103,503,072-103,503,074); deleting any one gives the same sequence. VCF-style (leftmost placement, unchanged base first): chr7-103503071-GA-G. GRCh37 (hg19) VCF-style: chr7-103143518-GA-G.
Other names: c.8433del, p.Pro2812fs (NM_173054.3); short protein forms P2812fs.
Identifiers: ClinVar variation 2942861 (VCV002942861.3), dbSNP rs2484714900, ClinGen allele CA2740097458.